The following is an entry in ClinVar:

ClinVar aggregate classification (germline): Likely pathogenic (1 of 4 stars; one submission).

Conditions:
Combined immunodeficiency due to DOCK8 deficiency (HIES2). Also called: HYPER-IgE SYNDROME 2, AUTOSOMAL RECESSIVE, WITH RECURRENT INFECTIONS; DOCK8 Deficiency; HIES autosomal recessive; Hyper-IgE recurrent infection syndrome, autosomal recessive; HYPER-IgE RECURRENT INFECTION SYNDROME 2, AUTOSOMAL RECESSIVE. Identifiers: Orphanet 217390, MedGen C4722305, MONDO:0009478, OMIM 243700.

Allele frequency attached by ClinVar (database versions not stated): gnomAD exomes below 0.00001.
gnomAD v4.1: 1 of 1,613,840 alleles (0.000062%); highest among the groups gnomAD compares: Middle Eastern, 0.017%; no homozygotes.

Submission:

Labcorp Genetics (formerly Invitae), Labcorp
Classification: Likely pathogenic for Combined immunodeficiency due to DOCK8 deficiency. Last evaluated: 2024-05-15. Review status: criteria provided, single submitter. Criteria: Invitae Variant Classification Sherloc (09022015). Collection method: clinical testing. Allele origin: germline.
Comment: This sequence change affects a donor splice site in intron 42 of the DOCK8 gene. It is expected to disrupt RNA splicing. Variants that disrupt the donor or acceptor splice site typically lead to a loss of protein function (PMID: 16199547), and loss-of-function variants in DOCK8 are known to be pathogenic (PMID: 14722525, 19776401). This variant is not present in population databases (gnomAD no frequency). This variant has not been reported in the literature in individuals affected with DOCK8-related conditions. Algorithms developed to predict the effect of sequence changes on RNA splicing suggest that this variant may disrupt the consensus splice site. In summary, the currently available evidence indicates that the variant is pathogenic, but additional data are needed to prove that conclusively. Therefore, this variant has been classified as Likely Pathogenic.

Literature cited by the submitters: PubMed 16199547; PubMed 14722525; PubMed 19776401.

NM_203447.4(DOCK8):c.5490+2T>C

Gene: DOCK8 (dedicator of cytokinesis 8; plus strand). Cytogenetic location: 9p24.3.
Variant type: single nucleotide variant.
Coding change: c.5490+2T>C on transcript NM_203447.4 (MANE Select); the canonical splice donor site of the intron after coding-DNA position 5490, T replaced by C.
Molecular consequence: splice donor variant.
Genome position (GRCh38, 1-based): chr9:442,011, T>C. VCF-style: chr9-442011-T-C. GRCh37 (hg19) VCF-style: chr9-442011-T-C.
Other names: c.5286+2T>C (NM_001193536.2); c.5190+2T>C (NM_001190458.2).
Identifiers: ClinVar variation 2794217 (VCV002794217.3), dbSNP rs2537437189, ClinGen allele CA372768543.
Genomic context (GRCh38, chr9:442,011, plus strand): 5'-AGTTTGTCTACAAAGAGCCTGCAATTACCAAGCTTCCTGAGATCTCACATAGACTAGAGG[T>C]AAGAAAAGTGATTCTGTGCGCCTGACCTGGTACACTTTACAAAAACAAGTTAGAGTGGGT-3'